The following is an entry in ClinVar:

NM_153676.4(USH1C):c.1751T>A (p.Leu584Ter)

Gene: USH1C (USH1 protein network component harmonin; minus strand). Cytogenetic location: 11p15.1.
Variant type: single nucleotide variant.
Coding change: c.1751T>A on transcript NM_153676.4 (MANE Select); coding-DNA position 1751, T replaced by A.
Protein change: p.Leu584Ter; replaces leucine 584 with a stop codon.
Molecular consequence: nonsense. On other transcripts: intron variant (11).
Genome position (GRCh38, 1-based): chr11:17,509,618, A>T on the plus strand (T>A on the coding strand, the complement: USH1C is on the minus strand). VCF-style: chr11-17509618-A-T. GRCh37 (hg19) VCF-style: chr11-17531165-A-T.
Other names: c.1228-7638T>A (NM_001297764.2); c.1210+11252T>A (NM_001440687.1); c.1413+2284T>A (NM_001440681.1); c.1285-7638T>A (NM_001440685.1, NM_005709.4, NM_001440682.1); c.1285-4921T>A (NM_001440683.1); c.1437+2284T>A (NM_001440680.1); c.1261-7638T>A (NM_001440686.1); c.1318-7638T>A (NM_001440684.1); and 1 more; short protein forms L584*.
Identifiers: ClinVar variation 4879671 (VCV004879671.1).

ClinVar aggregate classification (germline): Uncertain significance (1 of 4 stars; one submission).

Conditions:
Usher syndrome type 1C. Also called: USHER SYNDROME, TYPE I, ACADIAN VARIETY. Identifiers: Orphanet 231169, Orphanet 886, MedGen C1848604, MONDO:0010171, OMIM 276904.

Submission:

Victorian Clinical Genetics Services, Murdoch Childrens Research Institute
Classification: Uncertain significance for Usher syndrome type 1C. Last evaluated: 2026-05-01. Review status: criteria provided, single submitter. Criteria: ACMG Guidelines, 2015. Collection method: clinical testing. Allele origin: germline. Affected: no.
Comment: This variant is classified as VUS-3B. Evidence in support of pathogenic classification: Variant is predicted to cause nonsense-mediated decay (NMD) and loss of protein (premature termination codon is located at least 54 nucleotides upstream of the final exon-exon junction); Variant is absent from gnomAD (v2, v3 and v4). Additional information: This variant is non-coding in an alternative transcript. This variant is within an exon that is likely to be spliced out of the clinically relevant transcript NM_005709.4 (GTEx, UCSC); This variant is heterozygous; This gene is associated with autosomal recessive disease. A single, large family with a heterozygous missense variant has been reported with autosomal dominant NSHL (PMID: 31858762); This variant has no previous evidence of pathogenicity; No published evidence of segregation with disease has been identified for this variant; No published functional evidence has been identified for this variant; Other NMD-predicted variant(s) comparable to the one identified in this case have inconclusive previous evidence for pathogenicity. NMD-predicted variants present in this exon have been classified as likely benign, VUS, and Likely pathogenic by clinical laboratories in ClinVar. However, the clinical significance of this region remains uncertain; Loss of function is a known mechanism of disease in this gene and is associated with autosomal recessive deafness 18A (MIM#602092) and Usher syndrome, type 1C (MIM#276904). Dominant negative is a suggested mechanism for rare autosomal dominant non-syndromic hearing loss (NSHL) (PMID: 31858762).

Literature cited by the submitters: PubMed 31858762.